The following is an entry in ClinVar:

NM_002439.5(MSH3):c.2988T>G (p.Tyr996Ter)

Gene: MSH3 (mutS homolog 3; plus strand). Cytogenetic location: 5q14.1.
Variant type: single nucleotide variant.
Coding change: c.2988T>G on transcript NM_002439.5 (MANE Select); coding-DNA position 2988, T replaced by G.
Protein change: p.Tyr996Ter; replaces tyrosine 996 with a stop codon.
Molecular consequence: nonsense.
Genome position (GRCh38, 1-based): chr5:80,854,304, T>G. VCF-style: chr5-80854304-T-G. GRCh37 (hg19) VCF-style: chr5-80150123-T-G.
Other names: short protein forms Y996*.
Identifiers: ClinVar variation 1798476 (VCV001798476.3), dbSNP rs2478772044, ClinGen allele CA360275836.

ClinVar aggregate classification (germline): Pathogenic (1 of 4 stars; one submission).

Conditions:
Hereditary cancer-predisposing syndrome. Also called: Neoplastic Syndromes, Hereditary; Tumor predisposition; Hereditary Cancer Syndrome; Hereditary neoplastic syndrome. Identifiers: Orphanet 140162, MedGen C0027672, MeSH D009386, MONDO:0015356.

Submission:

Ambry Genetics
Classification: Pathogenic for Hereditary cancer-predisposing syndrome. Last evaluated: 2025-06-20. Review status: criteria provided, single submitter. Criteria: Ambry Variant Classification Scheme 2023. Collection method: clinical testing. Allele origin: germline.
Comment: The p.Y996* pathogenic mutation (also known as c.2988T>G), located in coding exon 21 of the MSH3 gene, results from a T to G substitution at nucleotide position 2988. This changes the amino acid from a tyrosine to a stop codon within coding exon 21. This variant is considered to be rare based on population cohorts in the Genome Aggregation Database (gnomAD). This alteration is expected to result in loss of function by premature protein truncation or nonsense-mediated mRNA decay. As such, this alteration is interpreted as a disease-causing mutation.